The following is an entry in ClinVar:

ClinVar aggregate classification (germline): Uncertain significance. Review status: criteria provided, multiple submitters, no conflicts (2 of 4 stars). 3 submissions from 3 submitters: Uncertain significance (3). Last evaluated 2025-11-24.

Conditions:
Cardiovascular phenotype. Identifiers: MedGen CN230736.
DiGeorge syndrome. Also called: THIRD AND FOURTH PHARYNGEAL POUCH SYNDROME; Catch22. Identifiers: Orphanet 567, MedGen C0012236, MONDO:0008564, OMIM 188400.

Allele frequency attached by ClinVar (database versions not stated): gnomAD 0.00001.
gnomAD v4.1: 7 of 1,499,692 alleles (0.00047%); highest among the groups gnomAD compares: East Asian, 0.0029%; no homozygotes.

Submissions (3):

Ambry Genetics
Classification: Uncertain significance for Cardiovascular phenotype. Last evaluated: 2025-11-24. Review status: criteria provided, single submitter. Criteria: Ambry Variant Classification Scheme 2023. Collection method: clinical testing. Allele origin: germline.
Comment: The p.A95V variant (also known as c.284C>T), located in coding exon 2 of the TBX1 gene, results from a C to T substitution at nucleotide position 284. The alanine at codon 95 is replaced by valine, an amino acid with similar properties. This amino acid position is conserved. In addition, this alteration is predicted to be tolerated by in silico analysis. Since supporting evidence is limited at this time, the clinical significance of this alteration remains unclear.

Labcorp Genetics (formerly Invitae), Labcorp
Classification: Uncertain significance for DiGeorge syndrome. Last evaluated: 2025-09-22. Review status: criteria provided, single submitter. Criteria: Invitae Variant Classification Sherloc (09022015). Collection method: clinical testing. Allele origin: germline.
Comment: This sequence change replaces alanine, which is neutral and non-polar, with valine, which is neutral and non-polar, at codon 95 of the TBX1 protein (p.Ala95Val). This variant is not present in population databases (gnomAD no frequency). This variant has not been reported in the literature in individuals affected with TBX1-related conditions. ClinVar contains an entry for this variant (Variation ID: 1796810). Invitae Evidence Modeling of protein sequence and biophysical properties (such as structural, functional, and spatial information, amino acid conservation, physicochemical variation, residue mobility, and thermodynamic stability) indicates that this missense variant is not expected to disrupt TBX1 protein function with a negative predictive value of 80%. In summary, the available evidence is currently insufficient to determine the role of this variant in disease. Therefore, it has been classified as a Variant of Uncertain Significance.

Mayo Clinic Laboratories, Mayo Clinic
Classification: Uncertain significance. Last evaluated: 2022-08-12. Review status: criteria provided, single submitter. Criteria: ACMG Guidelines, 2015. Collection method: clinical testing. Allele origin: germline. Observed: 1 variant allele.
Comment: BP4, PM2_supporting

NM_001379200.1(TBX1):c.311C>T (p.Ala104Val)

Gene: TBX1 (T-box transcription factor 1; plus strand). Cytogenetic location: 22q11.21.
Variant type: single nucleotide variant.
Coding change: c.311C>T on transcript NM_001379200.1 (MANE Select); coding-DNA position 311, C replaced by T.
Protein change: p.Ala104Val; replaces alanine 104 with valine.
Molecular consequence: missense variant.
Genome position (GRCh38, 1-based): chr22:19,761,154, C>T. VCF-style: chr22-19761154-C-T. GRCh37 (hg19) VCF-style: chr22-19748677-C-T.
Other names: p.Ala95Val; c.284C>T, p.Ala95Val (NM_005992.1, NM_080646.2, NM_080647.1); short protein forms A95V, A104V.
Identifiers: ClinVar variation 1796810 (VCV001796810.5), dbSNP rs1274480565, ClinGen allele CA410681587.
Genomic context (GRCh38, chr22:19,761,154, plus strand): 5'-CCGCCGGGGCCGCCACCAGCGCCGCCGCCGAGCCCGAGGGCCCCGGGGCCAGCTGCGCGG[C>T]CGCAGCCAAGGCGCCGGTGAAGAAGAACGCGAAGGTGGCCGGTGTGAGCGTGCAGCTAGA-3'
Protein context (NP_001366129.1, residues 94-114): EPEGPGASCA[Ala104Val]AAKAPVKKNA